The following is an entry in ClinVar:

ClinVar aggregate classification (germline): Uncertain significance (1 of 4 stars; one submission).

Conditions:
Amyotrophic lateral sclerosis type 1 (ALS1). Also called: AMYOTROPHIC LATERAL SCLEROSIS 1, FAMILIAL. Identifiers: Orphanet 803, MedGen C1862939, MONDO:0007103, OMIM 105400.
Neuronopathy, distal hereditary motor, type 7B. Also called: NEURONOPATHY, DISTAL HEREDITARY MOTOR, AUTOSOMAL DOMINANT 14; NEURONOPATHY, DISTAL HEREDITARY MOTOR, HARDING TYPE VIIB; NEUROPATHY, DISTAL HEREDITARY MOTOR, HARDING TYPE VIIB; NEUROPATHY, DISTAL HEREDITARY MOTOR, WITH VOCAL CORD PARALYSIS, HARDING TYPE VIIB; HMN VIIB; LOWER MOTOR NEURON DISEASE, DYNACTIN TYPE. Identifiers: Orphanet 139589, MedGen C1843315, MONDO:0011879, OMIM 607641.
Perry syndrome. Also called: PARKINSONISM WITH ALVEOLAR HYPOVENTILATION AND MENTAL DEPRESSION. Identifiers: Orphanet 178509, MedGen C1868594, MONDO:0008201, OMIM 168605.

gnomAD v4.1: 1 of 1,614,034 alleles (0.000062%); highest among the groups gnomAD compares: African/African-American, 0.0013%; no homozygotes.

Submission:

Labcorp Genetics (formerly Invitae), Labcorp
Classification: Uncertain significance for Amyotrophic lateral sclerosis type 1; Neuronopathy, distal hereditary motor, type 7B; Perry syndrome. Last evaluated: 2025-08-28. Review status: criteria provided, single submitter. Criteria: Invitae Variant Classification Sherloc (09022015). Collection method: clinical testing. Allele origin: germline.
Comment: This sequence change replaces glutamine, which is neutral and polar, with glutamic acid, which is acidic and polar, at codon 408 of the DCTN1 protein (p.Gln408Glu). This variant is present in population databases (no rsID available, gnomAD 0.007%). This variant has not been reported in the literature in individuals affected with DCTN1-related conditions. Invitae Evidence Modeling of protein sequence and biophysical properties (such as structural, functional, and spatial information, amino acid conservation, physicochemical variation, residue mobility, and thermodynamic stability) indicates that this missense variant is not expected to disrupt DCTN1 protein function with a negative predictive value of 95%. In summary, the available evidence is currently insufficient to determine the role of this variant in disease. Therefore, it has been classified as a Variant of Uncertain Significance.

NM_004082.5(DCTN1):c.1222C>G (p.Gln408Glu)

Gene: DCTN1 (dynactin subunit 1; minus strand). Cytogenetic location: 2p13.1.
Variant type: single nucleotide variant.
Coding change: c.1222C>G on transcript NM_004082.5 (MANE Select); coding-DNA position 1222, C replaced by G.
Protein change: p.Gln408Glu; replaces glutamine 408 with glutamic acid.
Molecular consequence: missense variant. On other transcripts: non-coding transcript variant (1).
Genome position (GRCh38, 1-based): chr2:74,370,251, G>C on the plus strand (C>G on the coding strand, the complement: DCTN1 is on the minus strand). VCF-style: chr2-74370251-G-C. GRCh37 (hg19) VCF-style: chr2-74597378-G-C.
Other names: c.1162C>G, p.Gln388Glu (NM_001135040.3); c.820C>G, p.Gln274Glu (NM_001135041.3, NM_023019.4); c.1111C>G, p.Gln371Glu (NM_001190836.2); c.1201C>G, p.Gln401Glu (NM_001190837.2); c.1171C>G, p.Gln391Glu (NM_001378991.1); c.1153C>G, p.Gln385Glu (NM_001378992.1); short protein forms Q371E, Q408E, Q274E, Q388E, Q401E, Q385E, Q391E.
Identifiers: ClinVar variation 4794348 (VCV004794348.1).